The following is an entry in ClinVar:

NM_001298.3(CNGA3):c.661C>T (p.Arg221Ter)

Gene: CNGA3 (cyclic nucleotide gated channel subunit alpha 3; plus strand). Cytogenetic location: 2q11.2.
Variant type: single nucleotide variant.
Coding change: c.661C>T on transcript NM_001298.3 (MANE Select); coding-DNA position 661, C replaced by T.
Protein change: p.Arg221Ter; replaces arginine 221 with a stop codon.
Molecular consequence: nonsense.
Genome position (GRCh38, 1-based): chr2:98,391,958, C>T. VCF-style: chr2-98391958-C-T. GRCh37 (hg19) VCF-style: chr2-99008421-C-T.
Other names: c.607C>T, p.Arg203Ter (NM_001079878.2); short protein forms R203*, R221*.
Identifiers: ClinVar variation 962966 (VCV000962966.15), dbSNP rs770713600, ClinGen allele CA1793837.
Genomic context (GRCh38, chr2:98,391,958, plus strand): 5'-ATGCTGTGGCTGGTCCTGGACTACTCGGCAGATGTCCTGTATGTCTTGGATGTGCTTGTA[C>T]GAGCTCGGACAGGTGAGTGTGCCCCAGGCCTGGGGAGGGGACCATGGCCCCCACGGGAGT-3'

ClinVar aggregate classification (germline): Pathogenic/Likely pathogenic. Review status: criteria provided, multiple submitters, no conflicts (2 of 4 stars). 7 submissions from 7 submitters: Pathogenic (6); Likely pathogenic (1). Last evaluated 2026-02-18.

Conditions:
CNGA3-related disorders.
Retinal disorder. Also called: Retinopathy; Retinal disorders; Retinopathies; Retinal Diseases. Identifiers: MedGen C0035309, MONDO:0005283, HP:0000488.
CNGA3-related disorder. Also called: CNGA3-related condition.
Achromatopsia 2 (ACHM2). Also called: ROD MONOCHROMACY 2; ROD MONOCHROMATISM 2; COLORBLINDNESS, TOTAL. Identifiers: Orphanet 49382, MedGen C1857618, MONDO:0009003, OMIM 216900.

Allele frequency attached by ClinVar (database versions not stated): ExAC 0.00002; gnomAD exomes 0.00002; gnomAD 0.00003; TOPMed 0.00004.
gnomAD v4.1: 89 of 1,613,750 alleles (0.0055%); highest among the groups gnomAD compares: Non-Finnish European, 0.007%; no homozygotes.

Submissions (7):

PreventionGenetics, part of Exact Sciences
Classification: Pathogenic for CNGA3-related condition. Last evaluated: 2026-02-18. Review status: criteria provided, single submitter. Criteria: ACMG Guidelines, 2015. Collection method: clinical testing. Allele origin: germline.
Comment: The CNGA3 c.661C>T variant is predicted to result in premature protein termination (p.Arg221*). This variant was reported in individuals with achromatopsia or inherited retinal disease (see for example: Johnson et al. 2004. PubMed ID: 14757870; Abu-Safieh et al. 2012. PubMed ID: 23105016; Georgiou et al. 2019. PubMed ID: 30682209). This variant is reported in 0.0080% of alleles in individuals of African descent in gnomAD. Nonsense variants in CNGA3 are expected to be pathogenic. This variant is interpreted as pathogenic.

Labcorp Genetics (formerly Invitae), Labcorp
Classification: Pathogenic. Last evaluated: 2025-12-11. Review status: criteria provided, single submitter. Criteria: Invitae Variant Classification Sherloc (09022015). Collection method: clinical testing. Allele origin: germline.
Comment: This sequence change creates a premature translational stop signal (p.Arg221*) in the CNGA3 gene. While this is not anticipated to result in nonsense mediated decay, it is expected to disrupt the last 474 amino acid(s) of the CNGA3 protein. This variant is present in population databases (rs770713600, gnomAD 0.008%). This premature translational stop signal has been observed in individuals with achromatopsia, retinitis pigmentosa or cone-rod dystrophies (PMID: 14757870, 23105016, 24903488, 26355662, 26992781). ClinVar contains an entry for this variant (Variation ID: 962966). This variant disrupts a region of the CNGA3 protein in which other variant(s) (p.Arg499*) have been determined to be pathogenic (PMID: 24269407, 24903488, 28159970). This suggests that this is a clinically significant region of the protein, and that variants that disrupt it are likely to be disease-causing. For these reasons, this variant has been classified as Pathogenic.

Genetics Laboratory, Great Ormond Street Hospital NHS Foundation Trust, North Thames Genomic Laboratory Hub
Classification: Likely pathogenic for Retinal disorders. Last evaluated: 2025-12-10. Review status: criteria provided, single submitter. Criteria: ACGS Best Practice Guidelines for Variant Classification in Rare Disease 2024 v1.2. Collection method: clinical testing. Allele origin: germline. Affected: yes.
Comment: PM2_moderate, PVS1_strong, PM3_moderate

Genomic Medicine Center of Excellence, King Faisal Specialist Hospital and Research Centre
Classification: Pathogenic for Achromatopsia 2. Last evaluated: 2025-09-10. Review status: criteria provided, single submitter. Criteria: ACMG Guidelines, 2015. Collection method: clinical testing. Allele origin: germline.

Fulgent Genetics
Classification: Pathogenic for Achromatopsia 2. Last evaluated: 2024-04-18. Review status: criteria provided, single submitter. Criteria: ACMG Guidelines, 2015. Collection method: clinical testing. Allele origin: germline.

GeneDx
Classification: Pathogenic. Last evaluated: 2024-01-23. Review status: criteria provided, single submitter. Criteria: GeneDx Variant Classification Process June 2021. Collection method: clinical testing. Allele origin: germline. Affected: yes.
Comment: Nonsense variant predicted to result in protein truncation, as the last 474 amino acids are lost, and other loss-of-function variants have been reported downstream in HGMD; This variant is associated with the following publications: (PMID: 25525159, 26355662, 26992781, 30289319, 23105016, 32967234, 35332618, 24148654, 21778272, 30711023, 28159970, 37644014, 38155673, 30682209, 14757870, 24903488)

Blueprint Genetics
Classification: Pathogenic for CNGA3-related disorders. Last evaluated: 2023-09-19. Review status: criteria provided, single submitter. Criteria: ACMG Guidelines, 2015. Collection method: clinical testing. Allele origin: germline. Affected: yes. Observed: 5 variant alleles.

Literature cited by the submitters: PubMed 14757870 (cited by Labcorp Genetics (formerly Invitae), Labcorp); PubMed 23105016 (cited by Labcorp Genetics (formerly Invitae), Labcorp); PubMed 24903488 (cited by Labcorp Genetics (formerly Invitae), Labcorp); PubMed 26355662 (cited by Labcorp Genetics (formerly Invitae), Labcorp); PubMed 26992781 (cited by Labcorp Genetics (formerly Invitae), Labcorp); PubMed 24269407 (cited by Labcorp Genetics (formerly Invitae), Labcorp); PubMed 28159970 (cited by Labcorp Genetics (formerly Invitae), Labcorp).